The following is an entry in ClinVar:

ClinVar aggregate classification (germline): Conflicting classifications of pathogenicity. Review status: criteria provided, conflicting classifications (1 of 4 stars). 3 submissions from 3 submitters: Uncertain significance (1); Likely benign (2). Last evaluated 2025-12-23.

Conditions:
Renal cell carcinoma. Identifiers: Orphanet 217071, MedGen C0007134, MeSH D002292, MONDO:0005086, HP:0005584.
Hereditary cancer-predisposing syndrome. Also called: Tumor predisposition; Hereditary neoplastic syndrome; Neoplastic Syndromes, Hereditary; Hereditary Cancer Syndrome. Identifiers: Orphanet 140162, MedGen C0027672, MeSH D009386, MONDO:0015356.

Submissions (3):

Labcorp Genetics (formerly Invitae), Labcorp
Classification: Likely benign for Renal cell carcinoma. Last evaluated: 2025-12-23. Review status: criteria provided, single submitter. Criteria: Invitae Variant Classification Sherloc (09022015). Collection method: clinical testing. Allele origin: germline.

Ambry Genetics
Classification: Likely benign for Hereditary cancer-predisposing syndrome. Last evaluated: 2025-12-13. Review status: criteria provided, single submitter. Criteria: Ambry Variant Classification Scheme 2023. Collection method: clinical testing. Allele origin: germline.

GeneDx
Classification: Uncertain significance. Last evaluated: 2023-03-16. Review status: criteria provided, single submitter. Criteria: GeneDx Variant Classification Process June 2021. Collection method: clinical testing. Allele origin: germline. Affected: yes.
Comment: Not observed at significant frequency in large population cohorts (gnomAD); In silico analysis supports that this variant does not alter splicing; Has not been previously published as pathogenic or benign to our knowledge

NM_000245.4(MET):c.2499C>A (p.Leu833=)

Gene: MET (MET proto-oncogene, receptor tyrosine kinase; plus strand). Cytogenetic location: 7q31.2.
Variant type: single nucleotide variant.
Coding change: c.2499C>A on transcript NM_000245.4 (MANE Select); coding-DNA position 2499, C replaced by A.
Protein change: p.Leu833=; no amino-acid change (leucine 833 retained).
Molecular consequence: synonymous variant.
Genome position (GRCh38, 1-based): chr7:116,763,184, C>A. VCF-style: chr7-116763184-C-A. GRCh37 (hg19) VCF-style: chr7-116403238-C-A.
Other names: c.2553C>A, p.Leu851= (NM_001127500.3); c.2499C>A, p.Leu833= (NM_001324401.3); c.1209C>A, p.Leu403= (NM_001324402.2).
Identifiers: ClinVar variation 2579931 (VCV002579931.3), dbSNP rs866072933, ClinGen allele CA457441370.